The following is an entry in ClinVar:

NM_003119.4(SPG7):c.616C>G (p.Pro206Ala)

Gene: SPG7 (SPG7 matrix AAA peptidase subunit, paraplegin; plus strand). Cytogenetic location: 16q24.3.
Variant type: single nucleotide variant.
Coding change: c.616C>G on transcript NM_003119.4 (MANE Select); coding-DNA position 616, C replaced by G.
Protein change: p.Pro206Ala; replaces proline 206 with alanine.
Molecular consequence: missense variant.
Genome position (GRCh38, 1-based): chr16:89,524,245, C>G. VCF-style: chr16-89524245-C-G. GRCh37 (hg19) VCF-style: chr16-89590653-C-G.
Other names: p.Pro206Ala; c.616C>G, p.Pro206Ala (NM_001363850.1, NM_199367.3); short protein forms P206A.
Identifiers: ClinVar variation 3380442 (VCV003380442.2).

ClinVar aggregate classification (germline): Uncertain significance (1 of 4 stars; one submission).

Conditions:
Hereditary spastic paraplegia 7 (SPG7). Also called: SPASTIC PARAPLEGIA 7, AUTOSOMAL RECESSIVE, WITH OR WITHOUT CEREBELLAR ATAXIA; Spastic paraplegia 7; Hereditary spastic paraplegia Paraplegin type; Autosomal recessive spastic paraplegia type 7; SPG7-related neurologic disorder. Identifiers: Orphanet 99013, MedGen C1846564, MONDO:0011803, OMIM 607259.

gnomAD v4.1: 10 of 1,609,086 alleles (0.00062%); highest among the groups gnomAD compares: Non-Finnish European, 0.00085%; no homozygotes.

Submission:

Mayo Clinic Laboratories, Mayo Clinic
Classification: Uncertain significance. Last evaluated: 2024-06-06. Review status: criteria provided, single submitter. Criteria: ACMG Guidelines, 2015. Collection method: clinical testing. Allele origin: germline. Observed: 1 variant allele.